The following is an entry in ClinVar:

ClinVar aggregate classification (germline): Benign/Likely benign. Review status: criteria provided, multiple submitters, no conflicts (2 of 4 stars). 8 submissions from 8 submitters: Benign (3); Likely benign (5). Last evaluated 2026-01-27.

Conditions:
Tuberous sclerosis syndrome (TSC). Also called: Tuberous sclerosis; Tuberous Sclerosis Complex. Identifiers: Orphanet 805, MedGen C0041341, MONDO:0001734.
Hereditary cancer-predisposing syndrome. Also called: Neoplastic Syndromes, Hereditary; Hereditary neoplastic syndrome; Tumor predisposition; Hereditary Cancer Syndrome. Identifiers: Orphanet 140162, MedGen C0027672, MeSH D009386, MONDO:0015356.
Tuberous sclerosis 2 (TSC2). Identifiers: Orphanet 805, MedGen C1860707, MONDO:0013199, OMIM 613254.

Allele frequency attached by ClinVar (database versions not stated): gnomAD exomes below 0.00001 and 0.00001; ExAC 0.00001; gnomAD 0.00002 and 0.00003; TOPMed 0.00004; ESP Exome Variant Server 0.00015.
gnomAD v4.1: 8 of 1,614,110 alleles (0.0005%); highest among the groups gnomAD compares: African/African-American, 0.011%; no homozygotes.

Submissions (8):

Labcorp Genetics (formerly Invitae), Labcorp
Classification: Likely benign for Tuberous sclerosis 2. Last evaluated: 2026-01-27. Review status: criteria provided, single submitter. Criteria: Invitae Variant Classification Sherloc (09022015). Collection method: clinical testing. Allele origin: germline.

Quest Diagnostics Nichols Institute San Juan Capistrano
Classification: Benign. Last evaluated: 2025-08-08. Review status: criteria provided, single submitter. Criteria: Quest Diagnostics criteria. Collection method: clinical testing. Allele origin: unknown.

Myriad Genetics, Inc.
Classification: Benign for Tuberous sclerosis 2. Last evaluated: 2025-05-05. Review status: criteria provided, single submitter. Criteria: Myriad Autosomal Dominant, Autosomal Recessive and X-Linked Classification Criteria (2023). Collection method: clinical testing. Allele origin: unknown.
Comment: This variant is considered benign. This variant is a silent/synonymous amino acid change and it is not expected to impact splicing.

All of Us Research Program, National Institutes of Health
Classification: Likely benign for Tuberous sclerosis syndrome. Last evaluated: 2023-12-13. Review status: criteria provided, single submitter. Criteria: ACMG Guidelines, 2015. Collection method: clinical testing. Allele origin: germline. Inheritance: Autosomal dominant inheritance. Observed: 6 variant alleles, 6 heterozygotes.
Comment: This study involves interpretation of variants in research participants for the purpose of population health screening. Participant phenotype was not available at the time of variant classification. Additional details can be found in publication PMID: 35346344, PMCID: PMC8962531

Color Diagnostics, LLC DBA Color Health
Classification: Likely benign for Tuberous sclerosis syndrome. Last evaluated: 2022-09-12. Review status: criteria provided, single submitter. Criteria: ACMG Guidelines, 2015. Collection method: clinical testing. Allele origin: germline.

Genome-Nilou Lab
Classification: Benign for Tuberous sclerosis 2. Last evaluated: 2021-11-07. Review status: criteria provided, single submitter. Criteria: ACMG Guidelines, 2015. Collection method: clinical testing. Allele origin: germline. Affected: no.

GeneDx
Classification: Likely benign. Last evaluated: 2019-09-06. Review status: criteria provided, single submitter. Criteria: GeneDx Variant Classification Process June 2021. Collection method: clinical testing. Allele origin: germline. Affected: yes.

Ambry Genetics
Classification: Likely benign for Hereditary cancer-predisposing syndrome. Last evaluated: 2016-05-04. Review status: criteria provided, single submitter. Criteria: Ambry Variant Classification Scheme 2023. Collection method: clinical testing. Allele origin: germline.

NM_000548.5(TSC2):c.450G>A (p.Gly150=)

Gene: TSC2 (TSC complex subunit 2; plus strand). Cytogenetic location: 16p13.3.
Variant type: single nucleotide variant.
Coding change: c.450G>A on transcript NM_000548.5 (MANE Select); coding-DNA position 450, G replaced by A.
Protein change: p.Gly150=; no amino-acid change (glycine 150 retained).
Molecular consequence: synonymous variant. On other transcripts: intron variant (1).
Genome position (GRCh38, 1-based): chr16:2,054,409, G>A. VCF-style: chr16-2054409-G-A. GRCh37 (hg19) VCF-style: chr16-2104410-G-A.
Other names: c.450G>A, p.Gly150= (NM_001077183.3, NM_001114382.3, NM_001363528.2 and 3 more transcripts); c.339G>A, p.Gly113= (NM_001318827.2); c.303G>A, p.Gly101= (NM_001318829.2); c.483G>A, p.Gly161= (NM_001318832.2); c.-1-1787G>A (NM_001318831.2).
Identifiers: ClinVar variation 387280 (VCV000387280.23), dbSNP rs372000734, ClinGen allele CA051466.
Genomic context (GRCh38, chr16:2,054,409, plus strand): 5'-CCCTTCCAACGAAGACCTTCACGAAAGGCTGGAGGTTTTCAAGGCCCTCACAGACAATGG[G>A]AGACACATCACCTACTTGGAGGAAGAGCTGGGTGGGTGCCACCTTGGGTTGGAGGTTTCT-3'
Protein context (NP_000539.2, residues 140-160): LEVFKALTDN[Gly150=]RHITYLEEEL